The following is an entry in ClinVar:

ClinVar aggregate classification (germline): Uncertain significance (1 of 4 stars; one submission).

Submission:

Labcorp Genetics (formerly Invitae), Labcorp
Classification: Uncertain significance. Last evaluated: 2022-01-10. Review status: criteria provided, single submitter. Criteria: Invitae Variant Classification Sherloc (09022015). Collection method: clinical testing. Allele origin: germline.
Comment: This variant, c.2221_2223del, results in the deletion of 1 amino acid(s) of the MSH3 protein (p.Ser741del), but otherwise preserves the integrity of the reading frame. This variant is not present in population databases (gnomAD no frequency). In summary, the available evidence is currently insufficient to determine the role of this variant in disease. Therefore, it has been classified as a Variant of Uncertain Significance. Experimental studies and prediction algorithms are not available or were not evaluated, and the functional significance of this variant is currently unknown. This variant has not been reported in the literature in individuals affected with MSH3-related conditions.

NM_002439.5(MSH3):c.2221_2223del (p.Ser741del)

Gene: MSH3 (mutS homolog 3; plus strand). Cytogenetic location: 5q14.1.
Variant type: Deletion.
Coding change: c.2221_2223del on transcript NM_002439.5 (MANE Select); coding-DNA positions 2221 to 2223, 3 bases deleted (TCT; older notation c.2221_2223delTCT).
Protein change: p.Ser741del; deletes serine 741.
Molecular consequence: inframe deletion.
Genome position (GRCh38, 1-based): chr5:80,768,971-80,768,973, TCT deleted; deleting any 3 consecutive bases within chr5:80,768,969-80,768,973 gives the same sequence; the c. name uses the placement nearest the transcript's 3' end. VCF-style (leftmost placement, unchanged base first): chr5-80768968-CCTT-C. GRCh37 (hg19) VCF-style: chr5-80064787-CCTT-C.
Other names: short protein forms S741del.
Identifiers: ClinVar variation 1495093 (VCV001495093.8), dbSNP rs2112885263, ClinGen allele CA2573139926.